The following is an entry in ClinVar:

NM_019098.5(CNGB3):c.1578+5G>C

Gene: CNGB3 (cyclic nucleotide gated channel subunit beta 3; minus strand). Cytogenetic location: 8q21.3.
Variant type: single nucleotide variant.
Coding change: c.1578+5G>C on transcript NM_019098.5 (MANE Select); 5 bases into the intron after coding-DNA position 1578, G replaced by C.
Molecular consequence: intron variant.
Genome position (GRCh38, 1-based): chr8:86,625,978, C>G on the plus strand (G>C on the coding strand, the complement: CNGB3 is on the minus strand). VCF-style: chr8-86625978-C-G. GRCh37 (hg19) VCF-style: chr8-87638206-C-G.
Identifiers: ClinVar variation 2018326 (VCV002018326.4), dbSNP rs2538079228, ClinGen allele CA2580078960.

ClinVar aggregate classification (germline): Uncertain significance (1 of 4 stars; one submission).

Submission:

Labcorp Genetics (formerly Invitae), Labcorp
Classification: Uncertain significance. Last evaluated: 2022-07-20. Review status: criteria provided, single submitter. Criteria: Invitae Variant Classification Sherloc (09022015). Collection method: clinical testing. Allele origin: germline.
Comment: This variant has not been reported in the literature in individuals affected with CNGB3-related conditions. In summary, the available evidence is currently insufficient to determine the role of this variant in disease. Therefore, it has been classified as a Variant of Uncertain Significance. Variants that disrupt the consensus splice site are a relatively common cause of aberrant splicing (PMID: 17576681, 9536098). Algorithms developed to predict the effect of sequence changes on RNA splicing suggest that this variant may disrupt the consensus splice site. This variant is not present in population databases (gnomAD no frequency). This sequence change falls in intron 13 of the CNGB3 gene. It does not directly change the encoded amino acid sequence of the CNGB3 protein. It affects a nucleotide within the consensus splice site.

Literature cited by the submitters: PubMed 17576681; PubMed 9536098.